The following is an entry in ClinVar:

ClinVar aggregate classification (germline): Likely benign. Review status: criteria provided, single submitter (1 of 4 stars). 2 submissions from 2 submitters: Likely benign (1). 1 of the submissions does not count toward it. Last evaluated 2025-03-28.

Conditions:
CDHR1-related disorder. Also called: CDHR1-related condition.

Allele frequency attached by ClinVar (database versions not stated): gnomAD exomes 0.00002 and 0.00009; TOPMed 0.00004; gnomAD 0.00007; 1000 Genomes Project 30x 0.00016.
gnomAD v4.1: 141 of 1,531,714 alleles (0.0092%); highest among the groups gnomAD compares: Non-Finnish European, 0.012%; no homozygotes.

Submissions (2):

Labcorp Genetics (formerly Invitae), Labcorp
Classification: Likely benign. Last evaluated: 2025-03-28. Review status: criteria provided, single submitter. Criteria: Invitae Variant Classification Sherloc (09022015). Collection method: clinical testing. Allele origin: germline.

PreventionGenetics, part of Exact Sciences
Classification: Likely benign for CDHR1-related condition. Last evaluated: 2019-07-03. Review status: no assertion criteria provided. Collection method: clinical testing. Allele origin: germline. Not counted in ClinVar's aggregate classification.
Comment: This variant is classified as likely benign based on ACMG/AMP sequence variant interpretation guidelines (Richards et al. 2015 PMID: 25741868, with internal and published modifications).

NM_033100.4(CDHR1):c.30C>A (p.Ala10=)

Gene: CDHR1 (cadherin related family member 1; plus strand). Cytogenetic location: 10q23.1.
Variant type: single nucleotide variant.
Coding change: c.30C>A on transcript NM_033100.4 (MANE Select); coding-DNA position 30, C replaced by A.
Protein change: p.Ala10=; no amino-acid change (alanine 10 retained).
Molecular consequence: synonymous variant.
Genome position (GRCh38, 1-based): chr10:84,194,790, C>A. VCF-style: chr10-84194790-C-A. GRCh37 (hg19) VCF-style: chr10-85954546-C-A.
Other names: c.30C>A, p.Ala10= (NM_001171971.3); c.30C>A (NM_033100.3).
Identifiers: ClinVar variation 1644836 (VCV001644836.10), dbSNP rs942472457, ClinGen allele CA210376397.
Genomic context (GRCh38, chr10:84,194,790, plus strand): 5'-GCGGCAGGCGACACTCCGCGCCGGCGGAGACATGAGGCGCTGCCGGTGGGCCGCCCTGGC[C>A]CTGGGGCTGCTGCGCCTCTGCTTGGGTGAGTGGCCGCTGGGCCGCGCTGGCCGCGTGGAT-3'
Protein context (NP_149091.1, residues 1-20): MRRCRWAAL[Ala10=]LGLLRLCLAQ